The following is an entry in ClinVar:

ClinVar aggregate classification (germline): Uncertain significance (1 of 4 stars; one submission).

Conditions:
Xanthinuria type II. Also called: Xanthine dehydrogenase and aldehyde oxidase combined deficiency of; XDH and AOX dual deficiency. Identifiers: Orphanet 3467, Orphanet 93602, MedGen C1863688, MONDO:0011346, OMIM 603592.

Allele frequency attached by ClinVar (database versions not stated): gnomAD 0.00003; ESP Exome Variant Server 0.00008.
gnomAD v4.1: 18 of 1,613,718 alleles (0.0011%); highest among the groups gnomAD compares: African/African-American, 0.012%; no homozygotes.

Submission:

Labcorp Genetics (formerly Invitae), Labcorp
Classification: Uncertain significance for Xanthinuria type II. Last evaluated: 2022-05-15. Review status: criteria provided, single submitter. Criteria: Invitae Variant Classification Sherloc (09022015). Collection method: clinical testing. Allele origin: germline.
Comment: In summary, the available evidence is currently insufficient to determine the role of this variant in disease. Therefore, it has been classified as a Variant of Uncertain Significance. Algorithms developed to predict the effect of missense changes on protein structure and function are either unavailable or do not agree on the potential impact of this missense change (SIFT: "Deleterious"; PolyPhen-2: "Probably Damaging"; Align-GVGD: "Class C0"). This variant has not been reported in the literature in individuals affected with XDH-related conditions. This variant is present in population databases (rs151251011, gnomAD 0.02%). This sequence change replaces alanine, which is neutral and non-polar, with threonine, which is neutral and polar, at codon 255 of the XDH protein (p.Ala255Thr).

NM_000379.4(XDH):c.763G>A (p.Ala255Thr)

Gene: XDH (xanthine dehydrogenase; minus strand). Cytogenetic location: 2p23.1.
Variant type: single nucleotide variant.
Coding change: c.763G>A on transcript NM_000379.4 (MANE Select); coding-DNA position 763, G replaced by A.
Protein change: p.Ala255Thr; replaces alanine 255 with threonine.
Molecular consequence: missense variant.
Genome position (GRCh38, 1-based): chr2:31,386,444, C>T on the plus strand (G>A on the coding strand, the complement: XDH is on the minus strand). VCF-style: chr2-31386444-C-T. GRCh37 (hg19) VCF-style: chr2-31609310-C-T.
Other names: short protein forms A255T.
Identifiers: ClinVar variation 2075091 (VCV002075091.3), dbSNP rs151251011, ClinGen allele CA1599499.